The following is an entry in ClinVar:

ClinVar aggregate classification (germline): Uncertain significance (1 of 4 stars; one submission).

Conditions:
Hereditary cancer-predisposing syndrome. Also called: Hereditary neoplastic syndrome; Neoplastic Syndromes, Hereditary; Tumor predisposition; Hereditary Cancer Syndrome. Identifiers: Orphanet 140162, MedGen C0027672, MeSH D009386, MONDO:0015356.

Submission:

Ambry Genetics
Classification: Uncertain significance for Hereditary cancer-predisposing syndrome. Last evaluated: 2025-01-21. Review status: criteria provided, single submitter. Criteria: Ambry Variant Classification Scheme 2023. Collection method: clinical testing. Allele origin: germline.
Comment: The p.I532T variant (also known as c.1595T>C), located in coding exon 9 of the BRCA1 gene, results from a T to C substitution at nucleotide position 1595. The isoleucine at codon 532 is replaced by threonine, an amino acid with similar properties. This amino acid position is not well conserved in available vertebrate species. In addition, the in silico prediction for this alteration is inconclusive. Based on the available evidence, the clinical significance of this variant remains unclear.

NM_007294.4(BRCA1):c.1595T>C (p.Ile532Thr)

Gene: BRCA1 (BRCA1 DNA repair associated; minus strand). Cytogenetic location: 17q21.31.
Variant type: single nucleotide variant.
Coding change: c.1595T>C on transcript NM_007294.4 (MANE Select); coding-DNA position 1595, T replaced by C.
Protein change: p.Ile532Thr; replaces isoleucine 532 with threonine.
Molecular consequence: missense variant. On other transcripts: intron variant (137).
Genome position (GRCh38, 1-based): chr17:43,093,936, A>G on the plus strand (T>C on the coding strand, the complement: BRCA1 is on the minus strand). VCF-style: chr17-43093936-A-G. GRCh37 (hg19) VCF-style: chr17-41245953-A-G.
Other names: c.1472T>C, p.Ile491Thr (NM_001407667.1, NM_001407668.1, NM_001407669.1 and 19 more transcripts); c.1469T>C, p.Ile490Thr (NM_001407670.1, NM_001407671.1, NM_001407672.1 and 11 more transcripts); c.1595T>C, p.Ile532Thr (NM_001407684.1, NM_001407581.1, NM_001407582.1 and 30 more transcripts); c.1382T>C, p.Ile461Thr (NM_001407571.1, NM_001407853.1, NM_001407894.1 and 9 more transcripts); c.1592T>C, p.Ile531Thr (NM_001407587.1, NM_001407590.1, NM_001407591.1 and 22 more transcripts); c.1586T>C, p.Ile529Thr (NM_001407646.1, NM_001407647.1); c.1517T>C, p.Ile506Thr (NM_001407653.1, NM_001407654.1, NM_001407655.1 and 4 more transcripts); c.1514T>C, p.Ile505Thr (NM_001407659.1, NM_001407660.1, NM_001407661.1 and 1 more transcripts); and 40 more; short protein forms I404T, I420T, I443T, I444T, I465T, I506T, I532T, I464T.
Identifiers: ClinVar variation 3825295 (VCV003825295.1).